The following is an entry in ClinVar:

NM_000742.4(CHRNA2):c.74-343G>C

Gene: CHRNA2 (cholinergic receptor nicotinic alpha 2 subunit; minus strand). Cytogenetic location: 8p21.2.
Variant type: single nucleotide variant.
Coding change: c.74-343G>C on transcript NM_000742.4 (MANE Select); 343 bases into the intron before coding-DNA position 74, G replaced by C.
Molecular consequence: intron variant.
Genome position (GRCh38, 1-based): chr8:27,470,324, C>G on the plus strand (G>C on the coding strand, the complement: CHRNA2 is on the minus strand). VCF-style: chr8-27470324-C-G. GRCh37 (hg19) VCF-style: chr8-27327841-C-G.
Other names: c.-354-343G>C (NM_001347705.2); c.74-343G>C (NM_001282455.2); c.-388-343G>C (NM_001347708.2); c.-399-343G>C (NM_001347706.2); c.-340-343G>C (NM_001347707.2).
Identifiers: ClinVar variation 668090 (VCV000668090.1), dbSNP rs2565064, ClinGen allele CA12877546.

ClinVar aggregate classification (germline): Benign (1 of 4 stars; one submission).

Allele frequency attached by ClinVar (database versions not stated): 1000 Genomes Project 0.78514; 1000 Genomes Project 30x 0.78654; gnomAD 0.78723 and 0.79455; TOPMed 0.78980.
gnomAD v4.1: 119,469 of 151,986 alleles (79%); highest among the groups gnomAD compares: African/African-American, 94%; 47,822 homozygotes.

Submission:

GeneDx
Classification: Benign. Last evaluated: 2018-06-18. Review status: criteria provided, single submitter. Criteria: GeneDx Variant Classification (06012015). Collection method: clinical testing. Allele origin: germline. Affected: yes.
Comment: This variant is considered likely benign or benign based on one or more of the following criteria: it is a conservative change, it occurs at a poorly conserved position in the protein, it is predicted to be benign by multiple in silico algorithms, and/or has population frequency not consistent with disease.